The following is an entry in ClinVar:

ClinVar aggregate classification (germline): Uncertain significance. Review status: criteria provided, multiple submitters, no conflicts (2 of 4 stars). 2 submissions from 2 submitters: Uncertain significance (2). Last evaluated 2024-08-12.

Conditions:
Inborn genetic diseases. Identifiers: MedGen C0950123, MeSH D030342.
Pyruvate dehydrogenase E2 deficiency (PDHDD). Also called: Dihydrolipoamide Acetyltransferase (E2) Deficiency; LACTIC ACIDEMIA DUE TO DEFECT OF E2 LIPOYL TRANSACETYLASE OF THE PYRUVATE DEHYDROGENASE COMPLEX. Identifiers: Orphanet 765, Orphanet 79244, MedGen C1855565, MONDO:0009502, OMIM 245348.

Allele frequency attached by ClinVar (database versions not stated): ExAC 0.00002; gnomAD 0.00002 and 0.00003; gnomAD exomes 0.00003; TOPMed 0.00006.

Submissions (2):

Labcorp Genetics (formerly Invitae), Labcorp
Classification: Uncertain significance for Pyruvate dehydrogenase E2 deficiency. Last evaluated: 2024-08-12. Review status: criteria provided, single submitter. Criteria: Invitae Variant Classification Sherloc (09022015). Collection method: clinical testing. Allele origin: germline.
Comment: This sequence change replaces arginine, which is basic and polar, with glutamine, which is neutral and polar, at codon 430 of the DLAT protein (p.Arg430Gln). This variant is present in population databases (rs782627956, gnomAD 0.01%). This variant has not been reported in the literature in individuals affected with DLAT-related conditions. ClinVar contains an entry for this variant (Variation ID: 955752). An algorithm developed to predict the effect of missense changes on protein structure and function (PolyPhen-2) suggests that this variant is likely to be tolerated. In summary, the available evidence is currently insufficient to determine the role of this variant in disease. Therefore, it has been classified as a Variant of Uncertain Significance.

Ambry Genetics
Classification: Uncertain significance for Inborn genetic diseases. Last evaluated: 2024-03-04. Review status: criteria provided, single submitter. Criteria: Ambry Variant Classification Scheme 2023. Collection method: clinical testing. Allele origin: germline.

NM_001931.5(DLAT):c.1289G>A (p.Arg430Gln)

Gene: DLAT (dihydrolipoamide S-acetyltransferase; plus strand). Cytogenetic location: 11q23.1.
Variant type: single nucleotide variant.
Coding change: c.1289G>A on transcript NM_001931.5 (MANE Select); coding-DNA position 1289, G replaced by A.
Protein change: p.Arg430Gln; replaces arginine 430 with glutamine.
Molecular consequence: missense variant. On other transcripts: non-coding transcript variant (1).
Genome position (GRCh38, 1-based): chr11:112,045,229, G>A. VCF-style: chr11-112045229-G-A. GRCh37 (hg19) VCF-style: chr11-111915953-G-A.
Other names: c.1289G>A, p.Arg430Gln (NM_001372031.1, NM_001372033.1, NM_001372035.1); c.1283G>A, p.Arg428Gln (NM_001372032.1); c.1256G>A, p.Arg419Gln (NM_001372034.1); c.1163G>A, p.Arg388Gln (NM_001372036.1); c.1121G>A, p.Arg374Gln (NM_001372037.1); c.1010G>A, p.Arg337Gln (NM_001372038.1); c.974G>A, p.Arg325Gln (NM_001372039.1, NM_001372041.1); c.908G>A, p.Arg303Gln (NM_001372040.1); and 1 more; short protein forms R276Q, R388Q, R428Q, R430Q, R325Q, R337Q, R374Q, R303Q.
Identifiers: ClinVar variation 955752 (VCV000955752.9), dbSNP rs782627956, ClinGen allele CA6276872.